The following is an entry in ClinVar:

NM_173630.4(RTTN):c.3755C>T (p.Thr1252Met)

Gene: RTTN (rotatin; minus strand). Cytogenetic location: 18q22.2.
Variant type: single nucleotide variant.
Coding change: c.3755C>T on transcript NM_173630.4 (MANE Select); coding-DNA position 3755, C replaced by T.
Protein change: p.Thr1252Met; replaces threonine 1252 with methionine.
Molecular consequence: missense variant.
Genome position (GRCh38, 1-based): chr18:70,109,646, G>A on the plus strand (C>T on the coding strand, the complement: RTTN is on the minus strand). VCF-style: chr18-70109646-G-A. GRCh37 (hg19) VCF-style: chr18-67776882-G-A.
Other names: c.1019C>T, p.Thr340Met (NM_001318520.2); short protein forms T340M, T1252M.
Identifiers: ClinVar variation 1963571 (VCV001963571.5), dbSNP rs372916843, ClinGen allele CA301948311.
Genomic context (GRCh38, chr18:70,109,646, plus strand): 5'-TTAGCCATCCCTCGTAAGGTCCGCTCAAGGGACGGCAGGCCATAGAAATGAGGCGCATCC[G>A]TCACTTTCAGACACTGGAGCAGTTTCAGAGCCAGCTGCGTTTGAAAAACGTAAAGAAGTT-3'
Protein context (NP_775901.3, residues 1242-1262): ALKLLQCLKV[Thr1252Met]DAPHFYGLPS

ClinVar aggregate classification (germline): Uncertain significance (1 of 4 stars; one submission).

Allele frequency attached by ClinVar (database versions not stated): gnomAD 0.00001; gnomAD exomes 0.00001; TOPMed 0.00001; ESP Exome Variant Server 0.00008.
gnomAD v4.1: 18 of 1,613,922 alleles (0.0011%); highest among the groups gnomAD compares: South Asian, 0.0022%; no homozygotes.

Submission:

Labcorp Genetics (formerly Invitae), Labcorp
Classification: Uncertain significance. Last evaluated: 2024-12-02. Review status: criteria provided, single submitter. Criteria: Invitae Variant Classification Sherloc (09022015). Collection method: clinical testing. Allele origin: germline.
Comment: This sequence change replaces threonine, which is neutral and polar, with methionine, which is neutral and non-polar, at codon 1252 of the RTTN protein (p.Thr1252Met). This variant is present in population databases (rs372916843, gnomAD 0.003%). This variant has not been reported in the literature in individuals affected with RTTN-related conditions. ClinVar contains an entry for this variant (Variation ID: 1963571). Invitae Evidence Modeling of protein sequence and biophysical properties (such as structural, functional, and spatial information, amino acid conservation, physicochemical variation, residue mobility, and thermodynamic stability) has been performed for this missense variant. However, the output from this modeling did not meet the statistical confidence thresholds required to predict the impact of this variant on RTTN protein function. In summary, the available evidence is currently insufficient to determine the role of this variant in disease. Therefore, it has been classified as a Variant of Uncertain Significance.